The following is an entry in ClinVar:

NM_018051.5(DYNC2I1):c.822C>A (p.Ser274Arg)

Gene: DYNC2I1 (dynein 2 intermediate chain 1; plus strand). Cytogenetic location: 7q36.3.
Variant type: single nucleotide variant.
Coding change: c.822C>A on transcript NM_018051.5 (MANE Select); coding-DNA position 822, C replaced by A.
Protein change: p.Ser274Arg; replaces serine 274 with arginine.
Molecular consequence: missense variant. On other transcripts: 5 prime UTR variant (3).
Genome position (GRCh38, 1-based): chr7:158,879,932, C>A. VCF-style: chr7-158879932-C-A. GRCh37 (hg19) VCF-style: chr7-158672623-C-A.
Other names: c.-664C>A (NM_001350918.2); c.684C>A, p.Ser228Arg (NM_001350914.2); c.305C>A, p.Ala102Glu (NM_001350915.2); c.-537C>A (NM_001350916.2); c.-545C>A (NM_001350917.2); short protein forms A102E, S228R, S274R.
Identifiers: ClinVar variation 1680651 (VCV001680651.6), dbSNP rs2129478812, ClinGen allele CA370180783.

ClinVar aggregate classification (germline): Uncertain significance (1 of 4 stars; one submission).

Conditions:
Short-rib thoracic dysplasia 8 with or without polydactyly (SRTD8). Also called: SHORT-RIB THORACIC DYSPLASIA 8 WITH POLYDACTYLY. Identifiers: Orphanet 93271, MedGen C3809691, MONDO:0014214, OMIM 615503.

Submission:

Labcorp Genetics (formerly Invitae), Labcorp
Classification: Uncertain significance for Short-rib thoracic dysplasia 8 with or without polydactyly. Last evaluated: 2022-07-06. Review status: criteria provided, single submitter. Criteria: Invitae Variant Classification Sherloc (09022015). Collection method: clinical testing. Allele origin: germline.
Comment: In summary, the available evidence is currently insufficient to determine the role of this variant in disease. Therefore, it has been classified as a Variant of Uncertain Significance. Algorithms developed to predict the effect of missense changes on protein structure and function (SIFT, PolyPhen-2, Align-GVGD) all suggest that this variant is likely to be tolerated. ClinVar contains an entry for this variant (Variation ID: 1680651). This variant has not been reported in the literature in individuals affected with WDR60-related conditions. This variant is not present in population databases (gnomAD no frequency). This sequence change replaces serine, which is neutral and polar, with arginine, which is basic and polar, at codon 274 of the WDR60 protein (p.Ser274Arg).